The following is an entry in ClinVar:

ClinVar aggregate classification (germline): Uncertain significance (1 of 4 stars; one submission).

Conditions:
Primary ciliary dyskinesia 6. Also called: Primary Ciliary Dyskinesia 6: TXNDC3-Related Primary Ciliary Dyskinesia. Identifiers: Orphanet 244, MedGen C1970506, MONDO:0012571, OMIM 610852.

Allele frequency attached by ClinVar (database versions not stated): gnomAD exomes below 0.00001; gnomAD 0.00001; TOPMed 0.00001.
gnomAD v4.1: 8 of 1,610,778 alleles (0.0005%); highest among the groups gnomAD compares: Admixed American, 0.0017%; no homozygotes.

Submission:

Labcorp Genetics (formerly Invitae), Labcorp
Classification: Uncertain significance for Primary ciliary dyskinesia 6. Last evaluated: 2023-08-24. Review status: criteria provided, single submitter. Criteria: Invitae Variant Classification Sherloc (09022015). Collection method: clinical testing. Allele origin: germline.
Comment: This sequence change replaces glutamic acid, which is acidic and polar, with lysine, which is basic and polar, at codon 411 of the NME8 protein (p.Glu411Lys). This variant is present in population databases (rs778757785, gnomAD 0.003%). This variant has not been reported in the literature in individuals affected with NME8-related conditions. ClinVar contains an entry for this variant (Variation ID: 649144). Advanced modeling of protein sequence and biophysical properties (such as structural, functional, and spatial information, amino acid conservation, physicochemical variation, residue mobility, and thermodynamic stability) performed at Invitae indicates that this missense variant is not expected to disrupt NME8 protein function. In summary, the available evidence is currently insufficient to determine the role of this variant in disease. Therefore, it has been classified as a Variant of Uncertain Significance.

NM_016616.5(NME8):c.1231G>A (p.Glu411Lys)

Gene: NME8 (NME/NM23 family member 8; plus strand). Cytogenetic location: 7p14.1.
Variant type: single nucleotide variant.
Coding change: c.1231G>A on transcript NM_016616.5 (MANE Select); coding-DNA position 1231, G replaced by A.
Protein change: p.Glu411Lys; replaces glutamic acid 411 with lysine.
Molecular consequence: missense variant.
Genome position (GRCh38, 1-based): chr7:37,885,236, G>A. VCF-style: chr7-37885236-G-A. GRCh37 (hg19) VCF-style: chr7-37924838-G-A.
Other names: short protein forms E411K.
Identifiers: ClinVar variation 649144 (VCV000649144.5), dbSNP rs778757785, ClinGen allele CA157131952.